The following is an entry in ClinVar:

ClinVar aggregate classification (germline): Likely pathogenic (1 of 4 stars; one submission).

Conditions:
Progressive myoclonic epilepsy. Also called: Progressive myoclonus epilepsy; Familial progressive myoclonic epilepsy; Myoclonic Epilepsies, Progressive; Myoclonus epilepsy. Identifiers: Orphanet 308, Orphanet 98261, MedGen C0751778, MONDO:0020074.

Submission:

Labcorp Genetics (formerly Invitae), Labcorp
Classification: Likely pathogenic for Progressive myoclonic epilepsy. Last evaluated: 2023-09-26. Review status: criteria provided, single submitter. Criteria: Invitae Variant Classification Sherloc (09022015). Collection method: clinical testing. Allele origin: germline.
Comment: This variant results in the deletion of part of exon 8 (c.995-16_1062delinsG) of the SCARB2 gene. It is expected to disrupt RNA splicing. Variants that disrupt the donor or acceptor splice site typically lead to a loss of protein function (PMID: 16199547), and loss-of-function variants in SCARB2 are known to be pathogenic (PMID: 19847901). This variant is not present in population databases (gnomAD no frequency). This variant has not been reported in the literature in individuals affected with SCARB2-related conditions. In summary, the currently available evidence indicates that the variant is pathogenic, but additional data are needed to prove that conclusively. Therefore, this variant has been classified as Likely Pathogenic.

Literature cited by the submitters: PubMed 16199547; PubMed 19847901.

NM_005506.4(SCARB2):c.995-16_1062delinsG

Gene: SCARB2 (scavenger receptor class B member 2; minus strand). Cytogenetic location: 4q21.1.
Variant type: Indel.
Coding change: c.995-16_1062delinsG on transcript NM_005506.4 (MANE Select); 16 bases into the intron before coding-DNA position 995 through coding-DNA position 1062, the reference bases replaced by G.
Molecular consequence: splice acceptor variant.
Genome position (GRCh38, 1-based): chr4:76,169,918-76,170,001, 84 bases replaced. GRCh37 (hg19): chr4:77,091,071-77,091,154.
Other names: c.566-16_633delinsG (NM_001204255.2).
Identifiers: ClinVar variation 2763410 (VCV002763410.3), dbSNP rs2476228193, ClinGen allele CA2697546751.